The following is an entry in ClinVar:

ClinVar aggregate classification (germline): Pathogenic (1 of 4 stars; one submission).

Conditions:
Prolidase deficiency. Identifiers: Orphanet 742, MedGen C0268532, MONDO:0008221, OMIM 170100.

Submission:

3billion
Classification: Pathogenic for Prolidase deficiency. Last evaluated: 2025-12-23. Review status: criteria provided, single submitter. Criteria: ACMG Guidelines, 2015. Collection method: clinical testing. Allele origin: germline. Affected: yes.
Comment: The variant is observed at an extremely low frequency in the gnomAD v4.1.0 dataset (total allele frequency: <0.001%). Predicted Consequence/Location: Frameshift: predicted to result in a loss or disruption of normal protein function through nonsense-mediated decay (NMD) or protein truncation. Multiple pathogenic variants are reported downstream of the variant. Therefore, this variant is classified as Pathogenic according to the recommendation of ACMG/AMP guideline.

NM_000285.4(PEPD):c.302del (p.Pro101fs)

Gene: PEPD (peptidase D; minus strand). Cytogenetic location: 19q13.11.
Variant type: Deletion.
Coding change: c.302del on transcript NM_000285.4 (MANE Select); coding-DNA position 302, one base deleted (C; older notation c.302delC).
Protein change: p.Pro101fs; shifts the reading frame from proline 101.
Molecular consequence: frameshift variant. On other transcripts: intron variant (1).
Genome position (GRCh38, 1-based): chr19:33,511,055, G deleted on the plus strand (C on the coding strand, the reverse complement: PEPD is on the minus strand); the first of 2 consecutive G bases (chr19:33,511,055-33,511,056); deleting either gives the same sequence. VCF-style (leftmost placement, unchanged base first): chr19-33511054-AG-A. GRCh37 (hg19) VCF-style: chr19-34001960-AG-A.
Other names: c.302del, p.Pro101fs (NM_001166056.2); c.201+1538del (NM_001166057.2); short protein forms P101fs.
Identifiers: ClinVar variation 4855082 (VCV004855082.1).